The following is an entry in ClinVar:

NM_001715.3(BLK):c.*428G>A

Gene: BLK (BLK proto-oncogene, Src family tyrosine kinase). Cytogenetic location: 8p23.1.
Variant type: single nucleotide variant.
Coding change: c.*428G>A on transcript NM_001715.3 (MANE Select); 428 bases downstream of the stop codon, G replaced by A.
Molecular consequence: 3 prime UTR variant.
Genome position (GRCh38, 1-based): chr8:11,564,536, G>A. VCF-style: chr8-11564536-G-A. GRCh37 (hg19) VCF-style: chr8-11422045-G-A.
Other names: c.*428G>A (NM_001330465.2).
Identifiers: ClinVar variation 361506 (VCV000361506.10), dbSNP rs1042701, ClinGen allele CA4630566.
Genomic context (GRCh38, chr8:11,564,536, plus strand): 5'-GGACCCCGCCCTGCCCCGCTACAGAAGCCAGACTGGGTCCCGCGGACGCCAGCAGGGGCA[G>A]CCCCAGCCTAGGCTGCGCTCCAGCACTGCGGGGCTTTTCTGCAATAAAGTCACGAGCGTT-3'

ClinVar aggregate classification (germline): Benign. Review status: criteria provided, multiple submitters, no conflicts (2 of 4 stars). 4 submissions from 4 submitters: Benign (4). Last evaluated 2021-05-10.

Conditions:
Maturity-onset diabetes of the young type 11. Identifiers: Orphanet 552, MedGen C3150618, MONDO:0013242, OMIM 613375.
Systemic lupus erythematosus (SLE). Identifiers: Orphanet 536, MedGen C0024141, MONDO:0007915, OMIM 152700, HP:0002725.

Allele frequency attached by ClinVar (database versions not stated): 1000 Genomes Project 0.24002; 1000 Genomes Project 30x 0.24063; TOPMed 0.32813; gnomAD 0.34464 and 0.34826; gnomAD exomes 0.34550 and 0.39402; ExAC 0.36017.
gnomAD v4.1: 180,951 of 477,818 alleles (38%); highest among the groups gnomAD compares: Non-Finnish European, 48%; 38,815 homozygotes.

Submissions (4):

GeneDx
Classification: Benign. Last evaluated: 2021-05-10. Review status: criteria provided, single submitter. Criteria: GeneDx Variant Classification Process June 2021. Collection method: clinical testing. Allele origin: germline. Affected: yes.

Illumina Laboratory Services, Illumina
Classification: Benign for Maturity-onset diabetes of the young type 11. Last evaluated: 2018-01-13. Review status: criteria provided, single submitter. Criteria: ICSL Variant Classification Criteria 13 December 2019. Collection method: clinical testing. Allele origin: germline.
Comment: This variant was observed in the ICSL laboratory as part of a predisposition screen in an ostensibly healthy population. It had not been previously curated by ICSL or reported in the Human Gene Mutation Database (HGMD: prior to June 1st, 2018), and was therefore a candidate for classification through an automated scoring system. Utilizing variant allele frequency, disease prevalence and penetrance estimates, and inheritance mode, an automated score was calculated to assess if this variant is too frequent to cause the disease. Based on the score and internal cut-off values, a variant classified as benign is not then subjected to further curation. The score for this variant resulted in a classification of benign for this disease.

Breakthrough Genomics
Classification: Benign. Review status: criteria provided, single submitter. Criteria: ACMG Guidelines, 2015. Collection method: not provided. Allele origin: germline. Inheritance: Autosomal dominant inheritance. Affected: yes.

Clinical Genomics, Uppaluri K&H Personalized Medicine Clinic
Classification: Benign for Systemic lupus erythematosus. Review status: criteria provided, single submitter. Criteria: K & H Uppaluri Personalized Medicine Clinic Variant Classification & Assertion Criteria_Updated V.1. Collection method: research. Allele origin: unknown.
Comment: BLK gene is associated with Systemic lupus erythematosus, sjogren's syndrome and other systemic inflammatory conditions. However no sufficient evidence is found to ascertain the role of this particular variant rs1042701, yet.

Literature cited by the submitters: PubMed 32313195 (cited by Clinical Genomics, Uppaluri K&H Personalized Medicine Clinic); PubMed 19667185 (cited by Clinical Genomics, Uppaluri K&H Personalized Medicine Clinic); PubMed 18204098 (cited by Clinical Genomics, Uppaluri K&H Personalized Medicine Clinic); PubMed 24023612 (cited by Clinical Genomics, Uppaluri K&H Personalized Medicine Clinic); PubMed 31670388 (cited by Clinical Genomics, Uppaluri K&H Personalized Medicine Clinic).